The following is an entry in ClinVar:

Conditions:
Breast-ovarian cancer, familial, susceptibility to, 1 (BROVCA1). Also called: BRCA1 Hereditary Breast and Ovarian Cancer; OVARIAN CANCER, SUSCEPTIBILITY TO. Identifiers: Orphanet 145, MedGen C2676676, MONDO:0011450, OMIM 604370. Disease mechanism: loss of function.

Submission:

Brotman Baty Institute, University of Washington
No classification provided (evidence only). Condition: Breast-ovarian cancer, familial 1. Review status: no classification provided. Collection method: in vitro. Allele origin: not applicable. Functional consequence: functionally_normal.
ClinVar note: "not provided" was previously submitted as the classification for the variant. However, the classification appeared to be based only on an observation of functional data so it was converted to no classification on 2025-07-30.

NM_007294.4(BRCA1):c.5194-7C>A

Gene: BRCA1 (BRCA1 DNA repair associated; minus strand). Cytogenetic location: 17q21.31.
Variant type: single nucleotide variant.
Coding change: c.5194-7C>A on transcript NM_007294.4 (MANE Select); 7 bases into the intron before coding-DNA position 5194, C replaced by A.
Molecular consequence: intron variant.
Genome position (GRCh38, 1-based): chr17:43,057,142, G>T on the plus strand (C>A on the coding strand, the complement: BRCA1 is on the minus strand). VCF-style: chr17-43057142-G-T. GRCh37 (hg19) VCF-style: chr17-41209159-G-T.
Other names: c.958-7C>A (NM_001408514.1); c.1672-7C>A (NM_001408485.1, NM_001408483.1, NM_001408491.1 and 5 more transcripts); c.4981-7C>A (NM_001407908.1, NM_001407898.1, NM_001407894.1 and 12 more transcripts); c.4984-7C>A (NM_001407882.1, NM_001407885.1, NM_001407886.1 and 5 more transcripts); c.1756-7C>A (NM_001408447.1, NM_001408446.1, NM_001408448.1 and 2 more transcripts); c.1759-7C>A (NM_001408433.1, NM_001408441.1, NM_001408437.1 and 10 more transcripts); c.5062-7C>A (NM_001407690.1, NM_001407691.1); c.5065-7C>A (NM_001407687.1, NM_001407941.1, NM_001407683.1 and 6 more transcripts); and 72 more.
Identifiers: ClinVar variation 867826 (VCV000867826.3), dbSNP rs2051533192, ClinGen allele CA916081196.